The following is an entry in ClinVar:

ClinVar aggregate classification (germline): Pathogenic (1 of 4 stars; one submission).

Conditions:
Primary ciliary dyskinesia 3. Identifiers: Orphanet 244, MedGen C1837618, MONDO:0012085, OMIM 608644.

Submission:

Myriad Genetics, Inc.
Classification: Pathogenic for Primary ciliary dyskinesia 3. Last evaluated: 2025-10-02. Review status: criteria provided, single submitter. Criteria: Myriad Autosomal Dominant, Autosomal Recessive and X-Linked Classification Criteria (2023). Collection method: clinical testing. Allele origin: unknown.
Comment: NM_001369.2(DNAH5):c.13560G>A(W4520*) is a nonsense variant classified as pathogenic in the context of primary ciliary dyskinesia, DNAH5-related. W4520* has not been observed in cases with relevant disease. Relevant functional assessments of this variant are not available in the literature. W4520* has not been observed in referenced population frequency databases. In summary, NM_001369.2(DNAH5):c.13560G>A(W4520*) is a nonsense variant in a gene where loss of function is a known mechanism of disease and is predicted to disrupt protein function. Please note: this variant was assessed in the context of healthy population screening.

NM_001369.3(DNAH5):c.13560G>A (p.Trp4520Ter)

Gene: DNAH5 (dynein axonemal heavy chain 5; minus strand). Cytogenetic location: 5p15.2.
Variant type: single nucleotide variant.
Coding change: c.13560G>A on transcript NM_001369.3 (MANE Select); coding-DNA position 13560, G replaced by A.
Protein change: p.Trp4520Ter; replaces tryptophan 4520 with a stop codon.
Molecular consequence: nonsense.
Genome position (GRCh38, 1-based): chr5:13,700,803, C>T on the plus strand (G>A on the coding strand, the complement: DNAH5 is on the minus strand). VCF-style: chr5-13700803-C-T. GRCh37 (hg19) VCF-style: chr5-13700912-C-T.
Other names: short protein forms W4520*.
Identifiers: ClinVar variation 5003662 (VCV005003662.1).